The following is an entry in ClinVar:

ClinVar aggregate classification (germline): Uncertain significance (1 of 4 stars; one submission).

Conditions:
Hereditary cancer-predisposing syndrome. Also called: Neoplastic Syndromes, Hereditary; Tumor predisposition; Hereditary neoplastic syndrome; Hereditary Cancer Syndrome. Identifiers: Orphanet 140162, MedGen C0027672, MeSH D009386, MONDO:0015356.

Submission:

Ambry Genetics
Classification: Uncertain significance for Hereditary cancer-predisposing syndrome. Last evaluated: 2026-07-07. Review status: criteria provided, single submitter. Criteria: Ambry Variant Classification Scheme 2023. Collection method: clinical testing. Allele origin: germline.
Comment: The p.E30G variant (also known as c.89A>G), located in coding exon 1 of the MSH6 gene, results from an A to G substitution at nucleotide position 89. The glutamic acid at codon 30 is replaced by glycine, an amino acid with similar properties. This amino acid position is conserved. In addition, this alteration is predicted to be tolerated by in silico analysis. Based on the available evidence, the clinical significance of this variant remains unclear.

NM_000179.3(MSH6):c.89A>G (p.Glu30Gly)

Gene: MSH6 (mutS homolog 6; plus strand). Cytogenetic location: 2p16.3.
Variant type: single nucleotide variant.
Coding change: c.89A>G on transcript NM_000179.3 (MANE Select); coding-DNA position 89, A replaced by G.
Protein change: p.Glu30Gly; replaces glutamic acid 30 with glycine.
Molecular consequence: missense variant. On other transcripts: non-coding transcript variant (5), intron variant (5), 5 prime UTR variant (7).
Genome position (GRCh38, 1-based): chr2:47,783,322, A>G. VCF-style: chr2-47783322-A-G. GRCh37 (hg19) VCF-style: chr2-48010461-A-G.
Other names: c.-38+91A>G (NM_001406805.1, NM_001406797.1, NM_001406801.1); c.-69+91A>G (NM_001406806.1); c.-280+91A>G (NM_001406815.1); c.89A>G, p.Glu30Gly (NM_001406809.1, NM_001406813.1, NM_001406817.1 and 9 more transcripts); c.-648A>G (NM_001406811.1, NM_001281493.2); c.-495A>G (NM_001406812.1); c.-906A>G (NM_001406814.1); c.-451A>G (NM_001406816.1); and 3 more; short protein forms E30G, K12E.
Identifiers: ClinVar variation 5024844 (VCV005024844.1).